The following is an entry in ClinVar:

ClinVar aggregate classification (germline): Benign/Likely benign. Review status: criteria provided, multiple submitters, no conflicts (2 of 4 stars). 4 submissions from 4 submitters: Benign (1); Likely benign (3). Last evaluated 2024-10-01.

Conditions:
Hereditary cancer-predisposing syndrome. Also called: Neoplastic Syndromes, Hereditary; Tumor predisposition; Hereditary Cancer Syndrome; Hereditary neoplastic syndrome. Identifiers: Orphanet 140162, MedGen C0027672, MeSH D009386, MONDO:0015356.
Familial cancer of breast. Also called: BREAST CANCER, FAMILIAL; Hereditary breast cancer; hereditary breast carcinoma. Identifiers: Orphanet 227535, MedGen C0346153, MONDO:0016419, OMIM 114480. Disease mechanism: loss of function.

Allele frequency attached by ClinVar (database versions not stated): gnomAD exomes below 0.00001.
gnomAD v4.1: 1 of 1,613,940 alleles (0.000062%); highest among the groups gnomAD compares: Non-Finnish European, 0.000085%; no homozygotes.

Submissions (4):

Myriad Genetics, Inc.
Classification: Benign for Familial cancer of breast. Last evaluated: 2024-10-01. Review status: criteria provided, single submitter. Criteria: Myriad Autosomal Dominant, Autosomal Recessive and X-Linked Classification Criteria (2023). Collection method: clinical testing. Allele origin: unknown.
Comment: This variant is considered benign. This variant is a silent/synonymous amino acid change and it is not expected to impact splicing.

Labcorp Genetics (formerly Invitae), Labcorp
Classification: Likely benign for Familial cancer of breast. Last evaluated: 2023-11-05. Review status: criteria provided, single submitter. Criteria: Invitae Variant Classification Sherloc (09022015). Collection method: clinical testing. Allele origin: germline.

GeneDx
Classification: Likely benign. Last evaluated: 2017-11-20. Review status: criteria provided, single submitter. Criteria: GeneDx Variant Classification (06012015). Collection method: clinical testing. Allele origin: germline. Affected: yes.
Comment: This variant is considered likely benign or benign based on one or more of the following criteria: it is a conservative change, it occurs at a poorly conserved position in the protein, it is predicted to be benign by multiple in silico algorithms, and/or has population frequency not consistent with disease.

Ambry Genetics
Classification: Likely benign for Hereditary cancer-predisposing syndrome. Last evaluated: 2014-09-11. Review status: criteria provided, single submitter. Criteria: Ambry Variant Classification Scheme 2023. Collection method: clinical testing. Allele origin: germline.

NM_007194.4(CHEK2):c.129C>T (p.Thr43=)

Gene: CHEK2 (checkpoint kinase 2; minus strand). Cytogenetic location: 22q12.1.
Variant type: single nucleotide variant.
Coding change: c.129C>T on transcript NM_007194.4 (MANE Select); coding-DNA position 129, C replaced by T.
Protein change: p.Thr43=; no amino-acid change (threonine 43 retained).
Molecular consequence: synonymous variant.
Genome position (GRCh38, 1-based): chr22:28,734,593, G>A on the plus strand (C>T on the coding strand, the complement: CHEK2 is on the minus strand). VCF-style: chr22-28734593-G-A. GRCh37 (hg19) VCF-style: chr22-29130581-G-A.
Other names: c.129C>T, p.Thr43= (NM_001005735.3, NM_001349956.3, NM_145862.3); c.-649C>T (NM_001257387.3).
Identifiers: ClinVar variation 186211 (VCV000186211.16), dbSNP rs786202779, ClinGen allele CA194163.